The following is an entry in ClinVar:

NC_000017.11:g.40628992CT[1]

Gene: SMARCE1 (SWI/SNF related BAF chromatin remodeling complex subunit E1; minus strand). Cytogenetic location: 17q21.2.
Variant type: Microsatellite.
Genome position: GRCh38 VCF-style: chr17-40628991-CCT-C. GRCh37 (hg19) VCF-style: chr17-38785243-CCT-C.
Identifiers: ClinVar variation 4730876 (VCV004730876.1).

ClinVar aggregate classification (germline): Uncertain significance (1 of 4 stars; one submission).

Conditions:
Familial meningioma. Also called: Meningioma, familial, susceptibility to. Identifiers: Orphanet 263662, MedGen C3551915, MONDO:0011789, OMIM 607174.

Submission:

Labcorp Genetics (formerly Invitae), Labcorp
Classification: Uncertain significance for Familial meningioma. Last evaluated: 2025-11-10. Review status: criteria provided, single submitter. Criteria: Invitae Variant Classification Sherloc (09022015). Collection method: clinical testing. Allele origin: germline.
Comment: This sequence change creates a premature translational stop signal (p.Glu343Glyfs*5) in the SMARCE1 gene. RNA analysis indicates that this premature translational stop signal induces altered splicing and likely disrupts the C-terminus of the protein. This variant is not present in population databases (gnomAD no frequency). This variant has not been reported in the literature in individuals affected with SMARCE1-related conditions. Studies have shown that this premature translational stop signal results in activation of a cryptic splice site and introduces a new termination codon (internal data). However the mRNA is not expected to undergo nonsense-mediated decay. In summary, the available evidence is currently insufficient to determine the role of this variant in disease. Therefore, it has been classified as a Variant of Uncertain Significance.